The following is an entry in ClinVar:

ClinVar aggregate classification (germline): Uncertain significance (1 of 4 stars; one submission).

Submission:

Women's Health and Genetics/Laboratory Corporation of America, LabCorp
Classification: Uncertain significance. Last evaluated: 2025-09-18. Review status: criteria provided, single submitter. Criteria: LabCorp Variant Classification Summary - May 2015. Collection method: clinical testing. Allele origin: germline.
Comment: Variant summary: ADAMTSL4 c.1576G>C (p.Ala526Pro) results in a non-conservative amino acid change in the encoded protein sequence. Algorithms developed to predict the effect of missense changes on protein structure and function all suggest that this variant is likely to be disruptive. The variant was absent in 248130 control chromosomes. The available data on variant occurrences in the general population are insufficient to allow any conclusion about variant significance. To our knowledge, no occurrence of c.1576G>C in individuals affected with ADAMTSL4-related conditions and no experimental evidence demonstrating its impact on protein function have been reported. No submitters have cited clinical-significance assessments for this variant to ClinVar. Based on the evidence outlined above, the variant was classified as uncertain significance.

NM_019032.6(ADAMTSL4):c.1576G>C (p.Ala526Pro)

Genes: ADAMTSL4 (ADAMTS like 4; plus strand), ADAMTSL4-AS2 (ADAMTSL4 antisense RNA 2; minus strand). Cytogenetic location: 1q21.2.
Variant type: single nucleotide variant.
Coding change: c.1576G>C on transcript NM_019032.6 (MANE Select); coding-DNA position 1576, G replaced by C.
Protein change: p.Ala526Pro; replaces alanine 526 with proline.
Molecular consequence: missense variant.
Genome position (GRCh38, 1-based): chr1:150,556,366, G>C. VCF-style: chr1-150556366-G-C. GRCh37 (hg19) VCF-style: chr1-150528842-G-C.
Other names: c.1645G>C, p.Ala549Pro (NM_001288607.2, NM_001288608.2); c.1576G>C, p.Ala526Pro (NM_001378596.1, NM_025008.5); short protein forms A526P, A549P.
Identifiers: ClinVar variation 4536126 (VCV004536126.1).
Genomic context (GRCh38, chr1:150,556,366, plus strand): 5'-ATTCCAGCGGGAGCCTTGCGGCTCCAGATTGCCCAGCTCCGGCCTAGCTCCAACTACCTG[G>C]GTGAGCACCCAGCTGCCTCCCCTTCCACTTCCGTCTCTGTTCGGCCCTCCATACCCCTAC-3'
Protein context (NP_061905.2, residues 516-536): AQLRPSSNYL[Ala526Pro]LRGPGGRSII